The following is an entry in ClinVar:

ClinVar aggregate classification (germline): Uncertain significance (1 of 4 stars; one submission).

Submission:

Labcorp Genetics (formerly Invitae), Labcorp
Classification: Uncertain significance. Last evaluated: 2021-11-26. Review status: criteria provided, single submitter. Criteria: Invitae Variant Classification Sherloc (09022015). Collection method: clinical testing. Allele origin: germline.
Comment: In summary, the available evidence is currently insufficient to determine the role of this variant in disease. Therefore, it has been classified as a Variant of Uncertain Significance. This variant has not been reported in the literature in individuals affected with ZSWIM6-related conditions. This variant results in a copy number gain of the genomic region encompassing exon(s) 2-14 of the ZSWIM6 gene. This region includes the termination codon of the gene. This copy number gain extends beyond the assayed region for this gene and therefore may encompass additional genes. As the precise location of this event is unknown, it may be in tandem or it may be located elsewhere in the genome.

NC_000005.9:g.(?_60768488)_(60840144_?)dup

Gene: ZSWIM6 (zinc finger SWIM-type containing 6; plus strand). Cytogenetic location: 5q12.1.
Variant type: Duplication.
Identifiers: ClinVar variation 2426630 (VCV002426630.4).